The following is an entry in ClinVar:

NM_000256.3(MYBPC3):c.2161A>G (p.Thr721Ala)

Gene: MYBPC3 (myosin binding protein C3; minus strand). Cytogenetic location: 11p11.2.
Variant type: single nucleotide variant.
Coding change: c.2161A>G on transcript NM_000256.3 (MANE Select); coding-DNA position 2161, A replaced by G.
Protein change: p.Thr721Ala; replaces threonine 721 with alanine.
Molecular consequence: missense variant.
Genome position (GRCh38, 1-based): chr11:47,338,667, T>C on the plus strand (A>G on the coding strand, the complement: MYBPC3 is on the minus strand). VCF-style: chr11-47338667-T-C. GRCh37 (hg19) VCF-style: chr11-47360218-T-C.
Other names: short protein forms T721A.
Identifiers: ClinVar variation 2124034 (VCV002124034.4), dbSNP rs768993308, ClinGen allele CA380320622.

ClinVar aggregate classification (germline): Uncertain significance (1 of 4 stars; one submission).

Conditions:
Hypertrophic cardiomyopathy. Also called: HYPERTROPHIC MYOCARDIOPATHY. Identifiers: Orphanet 217569, MedGen C0007194, MeSH D002312, MONDO:0005045, HP:0001639.

Submission:

Labcorp Genetics (formerly Invitae), Labcorp
Classification: Uncertain significance for Hypertrophic cardiomyopathy. Last evaluated: 2022-04-10. Review status: criteria provided, single submitter. Criteria: Invitae Variant Classification Sherloc (09022015). Collection method: clinical testing. Allele origin: germline.
Comment: This sequence change replaces threonine, which is neutral and polar, with alanine, which is neutral and non-polar, at codon 721 of the MYBPC3 protein (p.Thr721Ala). This variant is not present in population databases (gnomAD no frequency). This variant has not been reported in the literature in individuals affected with MYBPC3-related conditions. Algorithms developed to predict the effect of missense changes on protein structure and function (SIFT, PolyPhen-2, Align-GVGD) all suggest that this variant is likely to be tolerated. In summary, the available evidence is currently insufficient to determine the role of this variant in disease. Therefore, it has been classified as a Variant of Uncertain Significance.